The following is an entry in ClinVar:

NM_001364905.1(LRBA):c.3437A>T (p.Asp1146Val)

Gene: LRBA (LPS responsive beige-like anchor protein; minus strand). Cytogenetic location: 4q31.3.
Variant type: single nucleotide variant.
Coding change: c.3437A>T on transcript NM_001364905.1 (MANE Select); coding-DNA position 3437, A replaced by T.
Protein change: p.Asp1146Val; replaces aspartic acid 1146 with valine.
Molecular consequence: missense variant.
Genome position (GRCh38, 1-based): chr4:150,852,273, T>A on the plus strand (A>T on the coding strand, the complement: LRBA is on the minus strand). VCF-style: chr4-150852273-T-A. GRCh37 (hg19) VCF-style: chr4-151773425-T-A.
Other names: c.3437A>T, p.Asp1146Val (NM_001199282.3, NM_001367550.1, NM_006726.5); short protein forms D1146V.
Identifiers: ClinVar variation 639235 (VCV000639235.8), dbSNP rs1578998055, ClinGen allele CA358458123.

ClinVar aggregate classification (germline): Uncertain significance (1 of 4 stars; one submission).

Conditions:
Combined immunodeficiency due to LRBA deficiency. Also called: Common variable immunodeficiency 8, with autoimmunity. Identifiers: Orphanet 445018, MedGen C3553512, MONDO:0013863, OMIM 614700.

Allele frequency attached by ClinVar (database versions not stated): gnomAD exomes below 0.00001.
gnomAD v4.1: 1 of 1,614,134 alleles (0.000062%); highest among the groups gnomAD compares: Non-Finnish European, 0.000085%; no homozygotes.

Submission:

Labcorp Genetics (formerly Invitae), Labcorp
Classification: Uncertain significance for Combined immunodeficiency due to LRBA deficiency. Last evaluated: 2018-07-27. Review status: criteria provided, single submitter. Criteria: Invitae Variant Classification Sherloc (09022015). Collection method: clinical testing. Allele origin: germline.
Comment: This variant has not been reported in the literature in individuals with LRBA-related disease. This sequence change replaces aspartic acid with valine at codon 1146 of the LRBA protein (p.Asp1146Val). The aspartic acid residue is weakly conserved and there is a large physicochemical difference between aspartic acid and valine. This variant is not present in population databases (ExAC no frequency). Algorithms developed to predict the effect of missense changes on protein structure and function output the following: SIFT: "Deleterious"; PolyPhen-2: "Benign"; Align-GVGD: "Class C0". The valine amino acid residue is found in multiple mammalian species, suggesting that this missense change does not adversely affect protein function. These predictions have not been confirmed by published functional studies and their clinical significance is uncertain. In summary, the available evidence is currently insufficient to determine the role of this variant in disease. Therefore, it has been classified as a Variant of Uncertain Significance.